The following is an entry in ClinVar:

ClinVar aggregate classification (germline): Uncertain significance (1 of 4 stars; one submission).

Conditions:
Brugada syndrome. Also called: Sudden unexpected nocturnal death syndrome; Sudden unexplained nocturnal death syndrome; Sudden Unexplained Death Syndrome; Sudden Unexplained Nocturnal Death Syndrome (SUNDS). Identifiers: Orphanet 130, MedGen C1142166, MONDO:0015263.

Allele frequency attached by ClinVar (database versions not stated): gnomAD exomes below 0.00001; TOPMed below 0.00001; ExAC 0.00001; gnomAD 0.00001.
gnomAD v4.1: 2 of 1,613,942 alleles (0.00012%); highest among the groups gnomAD compares: East Asian, 0.0022%; no homozygotes.

Submission:

Labcorp Genetics (formerly Invitae), Labcorp
Classification: Uncertain significance for Brugada syndrome. Last evaluated: 2022-05-31. Review status: criteria provided, single submitter. Criteria: Invitae Variant Classification Sherloc (09022015). Collection method: clinical testing. Allele origin: germline.
Comment: This sequence change affects codon 192 of the SCN10A mRNA. It is a 'silent' change, meaning that it does not change the encoded amino acid sequence of the SCN10A protein. This variant is present in population databases (rs772562566, gnomAD 0.006%). This variant has not been reported in the literature in individuals affected with SCN10A-related conditions. Algorithms developed to predict the effect of sequence changes on RNA splicing suggest that this variant may disrupt the consensus splice site. In summary, the available evidence is currently insufficient to determine the role of this variant in disease. Therefore, it has been classified as a Variant of Uncertain Significance.

NM_006514.4(SCN10A):c.576G>A (p.Leu192=)

Gene: SCN10A (sodium voltage-gated channel alpha subunit 10; minus strand). Cytogenetic location: 3p22.2.
Variant type: single nucleotide variant.
Coding change: c.576G>A on transcript NM_006514.4 (MANE Select); coding-DNA position 576, G replaced by A.
Protein change: p.Leu192=; no amino-acid change (leucine 192 retained).
Molecular consequence: synonymous variant.
Genome position (GRCh38, 1-based): chr3:38,771,302, C>T on the plus strand (G>A on the coding strand, the complement: SCN10A is on the minus strand). VCF-style: chr3-38771302-C-T. GRCh37 (hg19) VCF-style: chr3-38812793-C-T.
Other names: c.576G>A, p.Leu192= (NM_001293306.2, NM_001293307.2).
Identifiers: ClinVar variation 1900076 (VCV001900076.5), dbSNP rs772562566, ClinGen allele CA2321160.
Genomic context (GRCh38, chr3:38,771,302, plus strand): 5'-CTATCACACATGCAGATCTGCATAGAGATATACTCACGCCAGGGTAATGACGCTAAAATC[C>T]AGCCAGTTCCAAGGATCTCTCAGGTACGTGAACTCATTTAGACAAAATCCTCTTGCCAGT-3'
Protein context (NP_006505.4, residues 182-202): FTYLRDPWNW[Leu192=]DFSVITLAYV